The following is an entry in ClinVar:

NM_000116.5(TAFAZZIN):c.542-9T>C

Gene: TAFAZZIN (tafazzin, phospholipid-lysophospholipid transacylase; plus strand). Cytogenetic location: Xq28.
Variant type: single nucleotide variant.
Coding change: c.542-9T>C on transcript NM_000116.5 (MANE Select); 9 bases into the intron before coding-DNA position 542, T replaced by C.
Molecular consequence: intron variant.
Genome position (GRCh38, 1-based): chrX:154,419,696, T>C. VCF-style: chrX-154419696-T-C. GRCh37 (hg19) VCF-style: chrX-153648035-T-C.
Other names: c.595+73T>C (NM_001303465.2); c.506-9T>C (NM_001410698.1); c.541+73T>C (NM_181312.4); c.452-9T>C (NM_181311.4); c.451+73T>C (NM_181313.4).
Identifiers: ClinVar variation 3656245 (VCV003656245.2).

ClinVar aggregate classification (germline): Uncertain significance (1 of 4 stars; one submission).

Conditions:
3-Methylglutaconic aciduria type 2 (BTHS). Also called: CARDIOSKELETAL MYOPATHY WITH NEUTROPENIA AND ABNORMAL MITOCHONDRIA; Barth syndrome. Identifiers: Orphanet 111, MedGen C0574083, MONDO:0010543, OMIM 302060.

Submission:

Labcorp Genetics (formerly Invitae), Labcorp
Classification: Uncertain significance for 3-Methylglutaconic aciduria type 2. Last evaluated: 2024-06-11. Review status: criteria provided, single submitter. Criteria: Invitae Variant Classification Sherloc (09022015). Collection method: clinical testing. Allele origin: germline.
Comment: This sequence change falls in intron 6 of the TAZ gene. It does not directly change the encoded amino acid sequence of the TAZ protein. This variant is not present in population databases (gnomAD no frequency). This variant has not been reported in the literature in individuals affected with TAZ-related conditions. Algorithms developed to predict the effect of sequence changes on RNA splicing suggest that this variant may disrupt the consensus splice site. In summary, the available evidence is currently insufficient to determine the role of this variant in disease. Therefore, it has been classified as a Variant of Uncertain Significance.